The following is an entry in ClinVar:

NM_000501.4(ELN):c.1348G>A (p.Ala450Thr)

Gene: ELN (elastin; plus strand). Cytogenetic location: 7q11.23.
Variant type: single nucleotide variant.
Coding change: c.1348G>A on transcript NM_000501.4 (MANE Select); coding-DNA position 1348, G replaced by A.
Protein change: p.Ala450Thr; replaces alanine 450 with threonine.
Molecular consequence: missense variant.
Genome position (GRCh38, 1-based): chr7:74,056,704, G>A. VCF-style: chr7-74056704-G-A. GRCh37 (hg19) VCF-style: chr7-73471034-G-A.
Other names: c.1318G>A, p.Ala440Thr (NM_001081752.3, NM_001278917.2); c.1363G>A, p.Ala455Thr (NM_001081753.3, NM_001081754.3); c.1348G>A, p.Ala450Thr (NM_001081755.3, NM_001278912.2, NM_001278915.2 and 1 more transcripts); c.1162G>A, p.Ala388Thr (NM_001278913.2); c.1333G>A, p.Ala445Thr (NM_001278914.2); c.1306G>A, p.Ala436Thr (NM_001278916.2); c.1138G>A, p.Ala380Thr (NM_001278918.2); c.1348G>A (NM_000501.2); short protein forms A436T, A445T, A388T, A440T, A450T, A455T, A380T.
Identifiers: ClinVar variation 1397627 (VCV001397627.9), dbSNP rs782546858, ClinGen allele CA4292953.

ClinVar aggregate classification (germline): Uncertain significance. Review status: criteria provided, multiple submitters, no conflicts (2 of 4 stars). 2 submissions from 2 submitters: Uncertain significance (2). Last evaluated 2024-02-01.

Conditions:
Supravalvar aortic stenosis (SVAS). Also called: Supravalvar aortic stenosis, Eisenberg type. Identifiers: Orphanet 3193, MedGen C0003499, MONDO:0008504, OMIM 185500, HP:0004381.

Allele frequency attached by ClinVar (database versions not stated): gnomAD exomes 0.00001 and 0.00003; TOPMed 0.00001; gnomAD 0.00003 and 0.00004; ExAC 0.00005.
gnomAD v4.1: 22 of 1,613,706 alleles (0.0014%); highest among the groups gnomAD compares: East Asian, 0.0022%; no homozygotes.

Submissions (2):

GeneDx
Classification: Uncertain significance. Last evaluated: 2024-02-01. Review status: criteria provided, single submitter. Criteria: GeneDx Variant Classification Process June 2021. Collection method: clinical testing. Allele origin: germline. Affected: yes.
Comment: In silico analysis supports that this missense variant does not alter protein structure/function; Has not been previously published as pathogenic or benign to our knowledge

Labcorp Genetics (formerly Invitae), Labcorp
Classification: Uncertain significance for Supravalvar aortic stenosis. Last evaluated: 2020-12-09. Review status: criteria provided, single submitter. Criteria: Invitae Variant Classification Sherloc (09022015). Collection method: clinical testing. Allele origin: germline.
Comment: This variant has not been reported in the literature in individuals with ELN-related conditions. This variant is present in population databases (rs782546858, ExAC 0.05%). This sequence change replaces alanine with threonine at codon 450 of the ELN protein (p.Ala450Thr). The alanine residue is moderately conserved and there is a small physicochemical difference between alanine and threonine. Algorithms developed to predict the effect of missense changes on protein structure and function are either unavailable or do not agree on the potential impact of this missense change (SIFT: "Deleterious"; PolyPhen-2: "Not Available"; Align-GVGD: "Class C0"). In summary, the available evidence is currently insufficient to determine the role of this variant in disease. Therefore, it has been classified as a Variant of Uncertain Significance.